The following is an entry in ClinVar:

ClinVar aggregate classification (germline): Benign. Review status: criteria provided, multiple submitters, no conflicts (2 of 4 stars). 2 submissions from 2 submitters: Benign (2). Last evaluated 2018-01-13.

Conditions:
Gamma-aminobutyric acid transaminase deficiency (GABATD). Also called: GABA aminotransaminase deficiency; GABA transaminase deficiency; Gamma aminobutyrate transaminase deficiency; 4 alpha aminobutyrate transaminase deficiency. Identifiers: Orphanet 2066, MedGen C0342708, MONDO:0013166, OMIM 613163.

Allele frequency attached by ClinVar (database versions not stated): gnomAD 0.13709 and 0.13988; TOPMed 0.14053; 1000 Genomes Project 30x 0.17380; 1000 Genomes Project 0.17692.
gnomAD v4.1: 82,074 of 576,440 alleles (14%); highest among the groups gnomAD compares: East Asian, 20%; 6,394 homozygotes.

Submissions (2):

Illumina Laboratory Services, Illumina
Classification: Benign for Gamma-aminobutyric acid transaminase deficiency. Last evaluated: 2018-01-13. Review status: criteria provided, single submitter. Criteria: ICSL Variant Classification Criteria 13 December 2019. Collection method: clinical testing. Allele origin: germline.
Comment: This variant was observed in the ICSL laboratory as part of a predisposition screen in an ostensibly healthy population. It had not been previously curated by ICSL or reported in the Human Gene Mutation Database (HGMD: prior to June 1st, 2018), and was therefore a candidate for classification through an automated scoring system. Utilizing variant allele frequency, disease prevalence and penetrance estimates, and inheritance mode, an automated score was calculated to assess if this variant is too frequent to cause the disease. Based on the score and internal cut-off values, a variant classified as benign is not then subjected to further curation. The score for this variant resulted in a classification of benign for this disease.

Breakthrough Genomics
Classification: Benign. Review status: criteria provided, single submitter. Criteria: ACMG Guidelines, 2015. Collection method: not provided. Allele origin: germline. Inheritance: Autosomal recessive inheritance. Affected: yes.

NM_020686.6(ABAT):c.*244C>A

Gene: ABAT (4-aminobutyrate aminotransferase; plus strand). Cytogenetic location: 16p13.2.
Variant type: single nucleotide variant.
Coding change: c.*244C>A on transcript NM_020686.6 (MANE Select); 244 bases downstream of the stop codon, C replaced by A.
Molecular consequence: 3 prime UTR variant.
Genome position (GRCh38, 1-based): chr16:8,781,674, C>A. VCF-style: chr16-8781674-C-A. GRCh37 (hg19) VCF-style: chr16-8875531-C-A.
Other names: c.*244C>A (NM_000663.5, NM_001127448.2, NM_001386600.1 and 14 more transcripts); c.*258C>A (NM_001386609.1, NM_001386616.1).
Identifiers: ClinVar variation 321095 (VCV000321095.6), dbSNP rs2270289, ClinGen allele CA10638516.
Genomic context (GRCh38, chr16:8,781,674, plus strand): 5'-TTTTCCTCCCTGCAGAGCCAATGGTGCACATTGGTTTAAGCCCAGAGATCCTGCTTGAGC[C>A]CTGGACTCATCTTGGGAAGGGCCATGGGAGGTCCTGGCTAGAGTTCTGCCCAACCTTGAC-3'